The following is an entry in ClinVar:

NM_002734.5(PRKAR1A):c.154G>A (p.Glu52Lys)

Gene: PRKAR1A (protein kinase cAMP-dependent type I regulatory subunit alpha; plus strand). Cytogenetic location: 17q24.2.
Variant type: single nucleotide variant.
Coding change: c.154G>A on transcript NM_002734.5 (MANE Select); coding-DNA position 154, G replaced by A.
Protein change: p.Glu52Lys; replaces glutamic acid 52 with lysine.
Molecular consequence: missense variant.
Genome position (GRCh38, 1-based): chr17:68,515,553, G>A. VCF-style: chr17-68515553-G-A. GRCh37 (hg19) VCF-style: chr17-66511694-G-A.
Other names: c.154G>A, p.Glu52Lys (NM_001276289.2, NM_001276290.1, NM_001278433.2 and 4 more transcripts); short protein forms E52K.
Identifiers: ClinVar variation 1053604 (VCV001053604.11), dbSNP rs2143153410, ClinGen allele CA400752080.

ClinVar aggregate classification (germline): Uncertain significance. Review status: criteria provided, multiple submitters, no conflicts (2 of 4 stars). 2 submissions from 2 submitters: Uncertain significance (2). Last evaluated 2023-08-04.

Conditions:
Hereditary cancer-predisposing syndrome. Also called: Tumor predisposition; Hereditary neoplastic syndrome; Hereditary Cancer Syndrome; Neoplastic Syndromes, Hereditary. Identifiers: Orphanet 140162, MedGen C0027672, MeSH D009386, MONDO:0015356.
Carney complex, type 1 (CNC1). Also called: CARNEY MYXOMA-ENDOCRINE COMPLEX; CARNEY COMPLEX, TYPE I. Identifiers: Orphanet 1359, MedGen C2607929, MONDO:0008057, OMIM 160980.

Allele frequency attached by ClinVar (database versions not stated): gnomAD exomes below 0.00001.

Submissions (2):

Labcorp Genetics (formerly Invitae), Labcorp
Classification: Uncertain significance for Carney complex, type 1. Last evaluated: 2023-08-04. Review status: criteria provided, single submitter. Criteria: Invitae Variant Classification Sherloc (09022015). Collection method: clinical testing. Allele origin: germline.
Comment: An algorithm developed to predict the effect of missense changes on protein structure and function (PolyPhen-2) suggests that this variant is likely to be tolerated. In summary, the available evidence is currently insufficient to determine the role of this variant in disease. Therefore, it has been classified as a Variant of Uncertain Significance. ClinVar contains an entry for this variant (Variation ID: 1053604). This variant has not been reported in the literature in individuals affected with PRKAR1A-related conditions. This variant is not present in population databases (gnomAD no frequency). This sequence change replaces glutamic acid, which is acidic and polar, with lysine, which is basic and polar, at codon 52 of the PRKAR1A protein (p.Glu52Lys).

Ambry Genetics
Classification: Uncertain significance for Hereditary cancer-predisposing syndrome. Last evaluated: 2022-01-04. Review status: criteria provided, single submitter. Criteria: Ambry Variant Classification Scheme 2023. Collection method: clinical testing. Allele origin: germline.
Comment: The p.E52K variant (also known as c.154G>A), located in coding exon 1 of the PRKAR1A gene, results from a G to A substitution at nucleotide position 154. The glutamic acid at codon 52 is replaced by lysine, an amino acid with similar properties. This amino acid position is conserved. In addition, this alteration is predicted to be deleterious by in silico analysis. Since supporting evidence is limited at this time, the clinical significance of this alteration remains unclear.